The following is an entry in ClinVar:

NM_001134363.3(RBM20):c.2002G>A (p.Asp668Asn)

Gene: RBM20 (RNA binding motif protein 20; plus strand). Cytogenetic location: 10q25.2.
Variant type: single nucleotide variant.
Coding change: c.2002G>A on transcript NM_001134363.3 (MANE Select); coding-DNA position 2002, G replaced by A.
Protein change: p.Asp668Asn; replaces aspartic acid 668 with asparagine.
Molecular consequence: missense variant.
Genome position (GRCh38, 1-based): chr10:110,812,399, G>A. VCF-style: chr10-110812399-G-A. GRCh37 (hg19) VCF-style: chr10-112572157-G-A.
Other names: short protein forms D668N.
Identifiers: ClinVar variation 1901688 (VCV001901688.6), dbSNP rs1218679983, ClinGen allele CA378370834.

ClinVar aggregate classification (germline): Conflicting classifications of pathogenicity. Review status: criteria provided, conflicting classifications (1 of 4 stars). 2 submissions from 2 submitters: Uncertain significance (1); Likely benign (1). Last evaluated 2025-07-14.

Conditions:
Cardiovascular phenotype. Identifiers: MedGen CN230736.
Dilated cardiomyopathy 1DD (CMD1DD). Identifiers: Orphanet 154, MedGen C2750995, MONDO:0013168, OMIM 613172.

Allele frequency attached by ClinVar (database versions not stated): gnomAD exomes below 0.00001; TOPMed below 0.00001.
gnomAD v4.1: 1 of 1,551,718 alleles (0.000064%); highest among the groups gnomAD compares: Non-Finnish European, 0.000087%; no homozygotes.

Submissions (2):

Labcorp Genetics (formerly Invitae), Labcorp
Classification: Likely benign for Dilated cardiomyopathy 1DD. Last evaluated: 2025-07-14. Review status: criteria provided, single submitter. Criteria: Invitae Variant Classification Sherloc (09022015). Collection method: clinical testing. Allele origin: germline.

Ambry Genetics
Classification: Uncertain significance for Cardiovascular phenotype. Last evaluated: 2024-10-25. Review status: criteria provided, single submitter. Criteria: Ambry Variant Classification Scheme 2023. Collection method: clinical testing. Allele origin: germline.
Comment: The p.D668N variant (also known as c.2002G>A), located in coding exon 9 of the RBM20 gene, results from a G to A substitution at nucleotide position 2002. The aspartic acid at codon 668 is replaced by asparagine, an amino acid with highly similar properties. This amino acid position is conserved. In addition, this alteration is predicted to be tolerated by in silico analysis. Based on the available evidence, the clinical significance of this variant remains unclear.